The following is an entry in ClinVar:

ClinVar aggregate classification (germline): Likely pathogenic. Review status: criteria provided, multiple submitters, no conflicts (2 of 4 stars). 2 submissions from 2 submitters: Likely pathogenic (2). Last evaluated 2023-12-08.

Conditions:
Epilepsy, familial focal, with variable foci 1 (FFEVF1). Also called: DEPDC5-Related Epilepsy. Identifiers: MedGen C4551983, MONDO:0024556, OMIM 604364.
Familial focal epilepsy with variable foci (FPEVF). Identifiers: Orphanet 98820, MedGen C1858477, MONDO:0020310.

Submissions (2):

Labcorp Genetics (formerly Invitae), Labcorp
Classification: Likely pathogenic for Familial focal epilepsy with variable foci. Last evaluated: 2023-12-08. Review status: criteria provided, single submitter. Criteria: Invitae Variant Classification Sherloc (09022015). Collection method: clinical testing. Allele origin: germline.
Comment: This sequence change affects a donor splice site in intron 36 of the DEPDC5 gene. It is expected to disrupt RNA splicing. Variants that disrupt the donor or acceptor splice site typically lead to a loss of protein function (PMID: 16199547), and loss-of-function variants in DEPDC5 are known to be pathogenic (PMID: 23542697, 23542701). This variant is not present in population databases (gnomAD no frequency). This variant has not been reported in the literature in individuals affected with DEPDC5-related conditions. Algorithms developed to predict the effect of sequence changes on RNA splicing suggest that this variant may disrupt the consensus splice site. In summary, the currently available evidence indicates that the variant is pathogenic, but additional data are needed to prove that conclusively. Therefore, this variant has been classified as Likely Pathogenic.

Juno Genomics, Hangzhou Juno Genomics, Inc
Classification: Likely pathogenic for Epilepsy, familial focal, with variable foci 1. Review status: criteria provided, single submitter. Criteria: ACMG Guidelines, 2015. Collection method: clinical testing. Allele origin: germline. Affected: yes.
Comment: Absent from controls (or at extremely low frequency if recessive) in Genome Aggregation Database.;Null variant in a gene where loss of function (LOF) is a known mechanism of disease.

Literature cited by the submitters: PubMed 16199547 (cited by Labcorp Genetics (formerly Invitae), Labcorp); PubMed 23542697 (cited by Labcorp Genetics (formerly Invitae), Labcorp); PubMed 23542701 (cited by Labcorp Genetics (formerly Invitae), Labcorp).

NM_001242896.3(DEPDC5):c.3696+1G>A

Gene: DEPDC5 (DEP domain containing 5, GATOR1 subcomplex subunit; plus strand). Cytogenetic location: 22q12.3.
Variant type: single nucleotide variant.
Coding change: c.3696+1G>A on transcript NM_001242896.3 (MANE Select); the canonical splice donor site of the intron after coding-DNA position 3696, G replaced by A.
Molecular consequence: splice donor variant.
Genome position (GRCh38, 1-based): chr22:31,874,406, G>A. VCF-style: chr22-31874406-G-A. GRCh37 (hg19) VCF-style: chr22-32270392-G-A.
Other names: c.3696+1G>A (NM_001364318.2); c.3669+1G>A (NM_001136029.4); c.3603+1G>A (NM_014662.6, NM_001369903.1); c.3630+1G>A (NM_001363852.2, NM_001364320.2); c.3462+1G>A (NM_001363854.2, NM_001364319.2); c.3396+1G>A (NM_001242897.2); c.3612+1G>A (NM_001369902.1, NM_001369901.1).
Identifiers: ClinVar variation 2701435 (VCV002701435.4), dbSNP rs2522420920, ClinGen allele CA411278309.